The following is an entry in ClinVar:

ClinVar aggregate classification (germline): Uncertain significance (0 of 4 stars; one submission).

Conditions:
PYHIN1-related disorder. Also called: PYHIN1-related condition.

Allele frequency attached by ClinVar (database versions not stated): gnomAD exomes below 0.00001.
gnomAD v4.1: 2 of 1,594,464 alleles (0.00013%); highest among the groups gnomAD compares: Non-Finnish European, 0.00017%; no homozygotes.

Submission:

PreventionGenetics, part of Exact Sciences
Classification: Uncertain significance for PYHIN1-related condition. Last evaluated: 2024-02-03. Review status: no assertion criteria provided. Collection method: clinical testing. Allele origin: germline.
Comment: The PYHIN1 c.991A>T variant is predicted to result in the amino acid substitution p.Met331Leu. To our knowledge, this variant has not been reported in the literature or in a large population database, indicating this variant is rare. At this time, the clinical significance of this variant is uncertain due to the absence of conclusive functional and genetic evidence.

NM_152501.5(PYHIN1):c.991A>T (p.Met331Leu)

Gene: PYHIN1 (pyrin and HIN domain family member 1; plus strand). Cytogenetic location: 1q23.1.
Variant type: single nucleotide variant.
Coding change: c.991A>T on transcript NM_152501.5 (MANE Select); coding-DNA position 991, A replaced by T.
Protein change: p.Met331Leu; replaces methionine 331 with leucine.
Molecular consequence: missense variant.
Genome position (GRCh38, 1-based): chr1:158,942,388, A>T. VCF-style: chr1-158942388-A-T. GRCh37 (hg19) VCF-style: chr1-158912178-A-T.
Other names: c.964A>T, p.Met322Leu (NM_198928.5, NM_198930.4); c.991A>T, p.Met331Leu (NM_198929.5); short protein forms M322L, M331L.
Identifiers: ClinVar variation 3030527 (VCV003030527.2), dbSNP rs201546012, ClinGen allele CA31297819.